The following is an entry in ClinVar:

NM_006282.5(STK4):c.1142T>C (p.Met381Thr)

Gene: STK4 (serine/threonine kinase 4; plus strand). Cytogenetic location: 20q13.12.
Variant type: single nucleotide variant.
Coding change: c.1142T>C on transcript NM_006282.5 (MANE Select); coding-DNA position 1142, T replaced by C.
Protein change: p.Met381Thr; replaces methionine 381 with threonine.
Molecular consequence: missense variant.
Genome position (GRCh38, 1-based): chr20:45,001,348, T>C. VCF-style: chr20-45001348-T-C. GRCh37 (hg19) VCF-style: chr20-43629989-T-C.
Other names: c.1142T>C, p.Met381Thr (NM_001352385.2); c.1142T>C (NM_006282.2); short protein forms M381T.
Identifiers: ClinVar variation 1350438 (VCV001350438.6), dbSNP rs201224293, ClinGen allele CA9873984.
Genomic context (GRCh38, chr20:45,001,348, plus strand): 5'-TGCCATCACAACTGGGCACCATGGTGATCAATGCAGAGGATGAGGAAGAGGAAGGAACTA[T>C]GAAAAGTAAGGCTCTGAGTAAATTCACTGACTTCTTAGACCAAGCATACATATTTCAGAG-3'
Protein context (NP_006273.1, residues 371-391): NAEDEEEEGT[Met381Thr]KRRDETMQPA

ClinVar aggregate classification (germline): Uncertain significance. Review status: criteria provided, multiple submitters, no conflicts (2 of 4 stars). 2 submissions from 2 submitters: Uncertain significance (2). Last evaluated 2025-08-27.

Conditions:
Inborn genetic diseases. Identifiers: MedGen C0950123, MeSH D030342.
Combined immunodeficiency due to STK4 deficiency (IMD110). Also called: STK4 DEFICIENCY; MST1 DEFICIENCY; T-cell immunodeficiency, recurrent infections, and autoimmunity with or without cardiac malformations. Identifiers: Orphanet 314689, MedGen C3553943, MONDO:0013934, OMIM 614868.

Allele frequency attached by ClinVar (database versions not stated): gnomAD exomes 0.00001; ExAC 0.00003; gnomAD 0.00005 and 0.00006; TOPMed 0.00012; 1000 Genomes Project 30x 0.00031; 1000 Genomes Project 0.00040.

Submissions (2):

Ambry Genetics
Classification: Uncertain significance for Inborn genetic diseases. Last evaluated: 2025-08-27. Review status: criteria provided, single submitter. Criteria: Ambry Variant Classification Scheme 2023. Collection method: clinical testing. Allele origin: germline.

Labcorp Genetics (formerly Invitae), Labcorp
Classification: Uncertain significance for Combined immunodeficiency due to STK4 deficiency. Last evaluated: 2024-09-05. Review status: criteria provided, single submitter. Criteria: Invitae Variant Classification Sherloc (09022015). Collection method: clinical testing. Allele origin: germline.
Comment: This sequence change replaces methionine, which is neutral and non-polar, with threonine, which is neutral and polar, at codon 381 of the STK4 protein (p.Met381Thr). This variant is present in population databases (rs201224293, gnomAD 0.003%). This variant has not been reported in the literature in individuals affected with STK4-related conditions. ClinVar contains an entry for this variant (Variation ID: 1350438). Invitae Evidence Modeling of protein sequence and biophysical properties (such as structural, functional, and spatial information, amino acid conservation, physicochemical variation, residue mobility, and thermodynamic stability) indicates that this missense variant is not expected to disrupt STK4 protein function with a negative predictive value of 95%. In summary, the available evidence is currently insufficient to determine the role of this variant in disease. Therefore, it has been classified as a Variant of Uncertain Significance.